The following is an entry in ClinVar:

ClinVar aggregate classification (germline): Conflicting classifications of pathogenicity. Review status: criteria provided, conflicting classifications (1 of 4 stars). 2 submissions from 2 submitters: Uncertain significance (1); Likely benign (1). Last evaluated 2024-11-27.

Conditions:
Cardiovascular phenotype. Identifiers: MedGen CN230736.
Aortic valve disease 2 (AOVD2). Identifiers: MedGen C3542024, MONDO:0013902, OMIM 614823.

gnomAD v4.1: 9 of 1,614,190 alleles (0.00056%); highest among the groups gnomAD compares: Admixed American, 0.015%; no homozygotes.

Submissions (2):

Ambry Genetics
Classification: Likely benign for Cardiovascular phenotype. Last evaluated: 2024-11-27. Review status: criteria provided, single submitter. Criteria: Ambry Variant Classification Scheme 2023. Collection method: clinical testing. Allele origin: germline.

Labcorp Genetics (formerly Invitae), Labcorp
Classification: Uncertain significance for Aortic valve disease 2. Last evaluated: 2024-07-19. Review status: criteria provided, single submitter. Criteria: Invitae Variant Classification Sherloc (09022015). Collection method: clinical testing. Allele origin: germline.
Comment: This sequence change replaces proline, which is neutral and non-polar, with alanine, which is neutral and non-polar, at codon 485 of the TBX5 protein (p.Pro485Ala). This variant is present in population databases (rs746726123, gnomAD 0.02%). This variant has not been reported in the literature in individuals affected with TBX5-related conditions. Advanced modeling of protein sequence and biophysical properties (such as structural, functional, and spatial information, amino acid conservation, physicochemical variation, residue mobility, and thermodynamic stability) performed at Invitae indicates that this missense variant is not expected to disrupt TBX5 protein function with a negative predictive value of 80%. In summary, the available evidence is currently insufficient to determine the role of this variant in disease. Therefore, it has been classified as a Variant of Uncertain Significance.

NM_181486.4(TBX5):c.1453C>G (p.Pro485Ala)

Gene: TBX5 (T-box transcription factor 5; minus strand). Cytogenetic location: 12q24.21.
Variant type: single nucleotide variant.
Coding change: c.1453C>G on transcript NM_181486.4 (MANE Select); coding-DNA position 1453, C replaced by G.
Protein change: p.Pro485Ala; replaces proline 485 with alanine.
Molecular consequence: missense variant.
Genome position (GRCh38, 1-based): chr12:114,355,636, G>C on the plus strand (C>G on the coding strand, the complement: TBX5 is on the minus strand). VCF-style: chr12-114355636-G-C. GRCh37 (hg19) VCF-style: chr12-114793441-G-C.
Other names: c.1453C>G, p.Pro485Ala (NM_000192.3); c.1303C>G, p.Pro435Ala (NM_080717.4); short protein forms P485A, P435A.
Identifiers: ClinVar variation 3453942 (VCV003453942.3).